The following is an entry in ClinVar:

NM_003737.4(DCHS1):c.9533G>A (p.Ser3178Asn)

Gene: DCHS1 (dachsous cadherin-related 1; minus strand). Cytogenetic location: 11p15.4.
Variant type: single nucleotide variant.
Coding change: c.9533G>A on transcript NM_003737.4 (MANE Select); coding-DNA position 9533, G replaced by A.
Protein change: p.Ser3178Asn; replaces serine 3178 with asparagine.
Molecular consequence: missense variant.
Genome position (GRCh38, 1-based): chr11:6,622,143, C>T on the plus strand (G>A on the coding strand, the complement: DCHS1 is on the minus strand). VCF-style: chr11-6622143-C-T. GRCh37 (hg19) VCF-style: chr11-6643374-C-T.
Other names: short protein forms S3178N.
Identifiers: ClinVar variation 2713196 (VCV002713196.3), dbSNP rs979852727, ClinGen allele CA217328974.

ClinVar aggregate classification (germline): Uncertain significance (1 of 4 stars; one submission).

Allele frequency attached by ClinVar (database versions not stated): gnomAD 0.00001; TOPMed 0.00001.
gnomAD v4.1: 1 of 1,612,624 alleles (0.000062%); highest among the groups gnomAD compares: Non-Finnish European, 0.000085%; no homozygotes.

Submission:

Labcorp Genetics (formerly Invitae), Labcorp
Classification: Uncertain significance. Last evaluated: 2025-12-26. Review status: criteria provided, single submitter. Criteria: Invitae Variant Classification Sherloc (09022015). Collection method: clinical testing. Allele origin: germline.
Comment: This sequence change replaces serine, which is neutral and polar, with asparagine, which is neutral and polar, at codon 3178 of the DCHS1 protein (p.Ser3178Asn). This variant is not present in population databases (gnomAD no frequency). This variant has not been reported in the literature in individuals affected with DCHS1-related conditions. ClinVar contains an entry for this variant (Variation ID: 2713196). Invitae Evidence Modeling of protein sequence and biophysical properties (such as structural, functional, and spatial information, amino acid conservation, physicochemical variation, residue mobility, and thermodynamic stability) indicates that this missense variant is not expected to disrupt DCHS1 protein function with a negative predictive value of 95%. In summary, the available evidence is currently insufficient to determine the role of this variant in disease. Therefore, it has been classified as a Variant of Uncertain Significance.